The following is an entry in ClinVar:

NM_020832.3(ZNF687):c.1867C>A (p.Pro623Thr)

Gene: ZNF687 (zinc finger protein 687; plus strand). Cytogenetic location: 1q21.3.
Variant type: single nucleotide variant.
Coding change: c.1867C>A on transcript NM_020832.3 (MANE Select); coding-DNA position 1867, C replaced by A.
Protein change: p.Pro623Thr; replaces proline 623 with threonine.
Molecular consequence: missense variant.
Genome position (GRCh38, 1-based): chr1:151,288,158, C>A. VCF-style: chr1-151288158-C-A. GRCh37 (hg19) VCF-style: chr1-151260634-C-A.
Other names: c.1867C>A, p.Pro623Thr (NM_001304763.2, NM_001304764.2); short protein forms P623T.
Identifiers: ClinVar variation 2050426 (VCV002050426.4), dbSNP rs753026281, ClinGen allele CA341947485.

ClinVar aggregate classification (germline): Uncertain significance (1 of 4 stars; one submission).

Submission:

Labcorp Genetics (formerly Invitae), Labcorp
Classification: Uncertain significance. Last evaluated: 2021-12-20. Review status: criteria provided, single submitter. Criteria: Invitae Variant Classification Sherloc (09022015). Collection method: clinical testing. Allele origin: germline.
Comment: This sequence change replaces proline, which is neutral and non-polar, with threonine, which is neutral and polar, at codon 623 of the ZNF687 protein (p.Pro623Thr). This variant is not present in population databases (gnomAD no frequency). This variant has not been reported in the literature in individuals affected with ZNF687-related conditions. Algorithms developed to predict the effect of missense changes on protein structure and function output the following: SIFT: "Tolerated"; PolyPhen-2: "Benign"; Align-GVGD: "Class C0". The threonine amino acid residue is found in multiple mammalian species, which suggests that this missense change does not adversely affect protein function. In summary, the available evidence is currently insufficient to determine the role of this variant in disease. Therefore, it has been classified as a Variant of Uncertain Significance.